The following is an entry in ClinVar:

NM_000135.4(FANCA):c.1679A>G (p.His560Arg)

Gene: FANCA (FA complementation group A; minus strand). Cytogenetic location: 16q24.3.
Variant type: single nucleotide variant.
Coding change: c.1679A>G on transcript NM_000135.4 (MANE Select); coding-DNA position 1679, A replaced by G.
Protein change: p.His560Arg; replaces histidine 560 with arginine.
Molecular consequence: missense variant.
Genome position (GRCh38, 1-based): chr16:89,779,905, T>C on the plus strand (A>G on the coding strand, the complement: FANCA is on the minus strand). VCF-style: chr16-89779905-T-C. GRCh37 (hg19) VCF-style: chr16-89846313-T-C.
Other names: c.1679A>G, p.His560Arg (NM_001286167.3); short protein forms H560R.
Identifiers: ClinVar variation 2163562 (VCV002163562.5), dbSNP rs759940726, ClinGen allele CA8252175.
Genomic context (GRCh38, chr16:89,779,905, plus strand): 5'-GGCCTTTTCGGCAGCCCAGCCTACCTGGCCTCCATGACGGTGACTGGGATGTTCCCCGTA[T>C]GCTCAAACACCATGATGGCCTTTTCAACATCCTGAAGAGCTTGGCTGTGGGGCTGGTTCC-3'
Protein context (NP_000126.2, residues 550-570): DVEKAIMVFE[His560Arg]TGNIPVTVME

ClinVar aggregate classification (germline): Uncertain significance. Review status: criteria provided, multiple submitters, no conflicts (2 of 4 stars). 2 submissions from 2 submitters: Uncertain significance (2). Last evaluated 2025-01-09.

Conditions:
Fanconi anemia (FA). Also called: Fanconi's anemia. Identifiers: Orphanet 84, MedGen C0015625, MeSH D005199, MONDO:0019391.
Inborn genetic diseases. Identifiers: MedGen C0950123, MeSH D030342.

gnomAD v4.1: 1 of 1,614,146 alleles (0.000062%); highest among the groups gnomAD compares: South Asian, 0.0011%; no homozygotes.

Submissions (2):

Ambry Genetics
Classification: Uncertain significance for Inborn genetic diseases. Last evaluated: 2025-01-09. Review status: criteria provided, single submitter. Criteria: Ambry Variant Classification Scheme 2023. Collection method: clinical testing. Allele origin: germline.
Comment: The p.H560R variant (also known as c.1679A>G), located in coding exon 18 of the FANCA gene, results from an A to G substitution at nucleotide position 1679. The histidine at codon 560 is replaced by arginine, an amino acid with highly similar properties. This amino acid position is conserved. In addition, the in silico prediction for this alteration is inconclusive. Based on the available evidence, the clinical significance of this variant remains unclear.

Labcorp Genetics (formerly Invitae), Labcorp
Classification: Uncertain significance for Fanconi anemia. Last evaluated: 2022-10-14. Review status: criteria provided, single submitter. Criteria: Invitae Variant Classification Sherloc (09022015). Collection method: clinical testing. Allele origin: germline.
Comment: In summary, the available evidence is currently insufficient to determine the role of this variant in disease. Therefore, it has been classified as a Variant of Uncertain Significance. Advanced modeling of protein sequence and biophysical properties (such as structural, functional, and spatial information, amino acid conservation, physicochemical variation, residue mobility, and thermodynamic stability) performed at Invitae indicates that this missense variant is expected to disrupt FANCA protein function. This variant has not been reported in the literature in individuals affected with FANCA-related conditions. This variant is present in population databases (rs759940726, gnomAD 0.007%). This sequence change replaces histidine, which is basic and polar, with arginine, which is basic and polar, at codon 560 of the FANCA protein (p.His560Arg).